The following is an entry in ClinVar:

NM_006231.4(POLE):c.4609C>T (p.Leu1537Phe)

Gene: POLE (DNA polymerase epsilon, catalytic subunit; minus strand). Cytogenetic location: 12q24.33.
Variant type: single nucleotide variant.
Coding change: c.4609C>T on transcript NM_006231.4 (MANE Select); coding-DNA position 4609, C replaced by T.
Protein change: p.Leu1537Phe; replaces leucine 1537 with phenylalanine.
Molecular consequence: missense variant.
Genome position (GRCh38, 1-based): chr12:132,642,939, G>A on the plus strand (C>T on the coding strand, the complement: POLE is on the minus strand). VCF-style: chr12-132642939-G-A. GRCh37 (hg19) VCF-style: chr12-133219525-G-A.
Other names: short protein forms L1537F.
Identifiers: ClinVar variation 659669 (VCV000659669.13), dbSNP rs1418237375, ClinGen allele CA387379178.

ClinVar aggregate classification (germline): Uncertain significance. Review status: criteria provided, multiple submitters, no conflicts (2 of 4 stars). 4 submissions from 4 submitters: Uncertain significance (4). Last evaluated 2025-12-28.

Conditions:
Hereditary cancer-predisposing syndrome. Also called: Hereditary neoplastic syndrome; Neoplastic Syndromes, Hereditary; Hereditary Cancer Syndrome; Tumor predisposition. Identifiers: Orphanet 140162, MedGen C0027672, MeSH D009386, MONDO:0015356.
Colorectal cancer, susceptibility to, 12 (CRCS12). Also called: COLORECTAL CANCER, SUSCEPTIBILITY TO, ON CHROMOSOME 12q24. Identifiers: Orphanet 220460, MedGen C3554460, MONDO:0014038, OMIM 615083.

Allele frequency attached by ClinVar (database versions not stated): gnomAD exomes below 0.00001; gnomAD 0.00001; TOPMed 0.00001.
gnomAD v4.1: 12 of 1,612,000 alleles (0.00074%); highest among the groups gnomAD compares: Admixed American, 0.0017%; no homozygotes.

Submissions (4):

Labcorp Genetics (formerly Invitae), Labcorp
Classification: Uncertain significance. Last evaluated: 2025-12-28. Review status: criteria provided, single submitter. Criteria: Invitae Variant Classification Sherloc (09022015). Collection method: clinical testing. Allele origin: germline.
Comment: This sequence change replaces leucine, which is neutral and non-polar, with phenylalanine, which is neutral and non-polar, at codon 1537 of the POLE protein (p.Leu1537Phe). This variant is present in population databases (no rsID available, gnomAD 0.004%). This variant has not been reported in the literature in individuals affected with POLE-related conditions. ClinVar contains an entry for this variant (Variation ID: 659669). Invitae Evidence Modeling of protein sequence and biophysical properties (such as structural, functional, and spatial information, amino acid conservation, physicochemical variation, residue mobility, and thermodynamic stability) indicates that this missense variant is not expected to disrupt POLE protein function with a negative predictive value of 80%. In summary, the available evidence is currently insufficient to determine the role of this variant in disease. Therefore, it has been classified as a Variant of Uncertain Significance.

Ambry Genetics
Classification: Uncertain significance for Hereditary cancer-predisposing syndrome. Last evaluated: 2024-12-12. Review status: criteria provided, single submitter. Criteria: Ambry Variant Classification Scheme 2023. Collection method: clinical testing. Allele origin: germline.
Comment: The p.L1537F variant (also known as c.4609C>T), located in coding exon 36 of the POLE gene, results from a C to T substitution at nucleotide position 4609. The leucine at codon 1537 is replaced by phenylalanine, an amino acid with highly similar properties. This amino acid position is conserved. In addition, this alteration is predicted to be tolerated by in silico analysis. Based on the available evidence, the clinical significance of this variant remains unclear.

GeneDx
Classification: Uncertain significance. Last evaluated: 2022-12-06. Review status: criteria provided, single submitter. Criteria: GeneDx Variant Classification Process June 2021. Collection method: clinical testing. Allele origin: germline. Affected: yes.
Comment: Not observed at significant frequency in large population cohorts (gnomAD); In silico analysis supports that this missense variant does not alter protein structure/function; Has not been previously published as pathogenic or benign to our knowledge; This variant is associated with the following publications: (PMID: 29056344)

St. Jude Molecular Pathology, St. Jude Children's Research Hospital
Classification: Uncertain significance for Colorectal cancer, susceptibility to, 12. Last evaluated: 2021-06-03. Review status: criteria provided, single submitter. Criteria: St. Jude Assertion Criteria 2020. Collection method: clinical testing. Allele origin: germline.
Comment: The POLE c.4609C>T (p.Leu1537Phe) missense change has a maximum subpopulation frequency of 0.0040% in gnomAD v2.1.1 (PM2_Supporting). Five of seven in silico tools predict a benign effect of this variant on protein function (BP4), but to our knowledge these predictions have not been confirmed by functional assays. This variant has been identified in a tumor with low tumor mutational burden (internal data). To our knowledge, this variant has not been reported in the literature in individuals with POLE-related disease. In summary, this variant meets criteria to be classified as of uncertain significance based on the ACMG/AMP criteria: PM2_Supporting, BP4.